The following is an entry in ClinVar:

ClinVar aggregate classification (germline): Conflicting classifications of pathogenicity. Review status: criteria provided, conflicting classifications (1 of 4 stars). 8 submissions from 7 submitters: Uncertain significance (2); Benign (4); Likely benign (2). Last evaluated 2026-01-19.

Conditions:
Cardiomyopathy (CMYO). Also called: Cardiomyopathies. Identifiers: Orphanet 167848, MedGen C0878544, MONDO:0004994, HP:0001638. Inheritance: Various modes of inheritance.
Hypertrophic cardiomyopathy 3. Also called: TPM1-Related Familial Hypertrophic Cardiomyopathy. Identifiers: MedGen C1861863, MONDO:0007267, OMIM 115196.
Dilated cardiomyopathy 1Y (CMD1Y). Identifiers: Orphanet 154, Orphanet 54260, MedGen C2678476, MONDO:0012744, OMIM 611878.
Hypertrophic cardiomyopathy. Also called: HYPERTROPHIC MYOCARDIOPATHY. Identifiers: Orphanet 217569, MedGen C0007194, MeSH D002312, MONDO:0005045, HP:0001639.

Allele frequency attached by ClinVar (database versions not stated): gnomAD 0.00007 and 0.00014; TOPMed 0.00012; gnomAD exomes 0.00018 and 0.00047; 1000 Genomes Project 0.00020; 1000 Genomes Project 30x 0.00031; ExAC 0.00053.
gnomAD v4.1: 275 of 1,613,430 alleles (0.017%); highest among the groups gnomAD compares: South Asian, 0.26%; 4 homozygotes.

Submissions (8):

Labcorp Genetics (formerly Invitae), Labcorp
Classification: Benign for Hypertrophic cardiomyopathy. Last evaluated: 2026-01-19. Review status: criteria provided, single submitter. Criteria: Invitae Variant Classification Sherloc (09022015). Collection method: clinical testing. Allele origin: germline.

Women's Health and Genetics/Laboratory Corporation of America, LabCorp
Classification: Benign. Last evaluated: 2025-09-08. Review status: criteria provided, single submitter. Criteria: LabCorp Variant Classification Summary - May 2015. Collection method: clinical testing. Allele origin: germline.

Blueprint Genetics
Classification: Likely benign. Last evaluated: 2024-10-24. Review status: criteria provided, single submitter. Criteria: ACMG Guidelines, 2015. Collection method: clinical testing. Allele origin: germline.

Laboratory for Molecular Medicine, Mass General Brigham Personalized Medicine
Classification: Benign. Last evaluated: 2019-12-23. Review status: criteria provided, single submitter. Criteria: LMM Criteria. Collection method: clinical testing. Allele origin: germline. Observed: 3 variant alleles.
Comment: The c.564-11G>A variant in TPM1 is classified as benign because it has been identified in 0.3% (88/30616) of South Asian chromosomes and 1 homozygote by gnomAD. ACMG/AMP Criteria applied: BA1.

Color Diagnostics, LLC DBA Color Health
Classification: Likely benign for Cardiomyopathy. Last evaluated: 2018-10-08. Review status: criteria provided, single submitter. Criteria: ACMG Guidelines, 2015. Collection method: clinical testing. Allele origin: germline.

Illumina Laboratory Services, Illumina
Classification: Uncertain significance for Hypertrophic cardiomyopathy 3. Last evaluated: 2018-01-13. Review status: criteria provided, single submitter. Criteria: ICSL Variant Classification Criteria 13 December 2019. Collection method: clinical testing. Allele origin: germline.

Illumina Laboratory Services, Illumina
Classification: Uncertain significance for Dilated cardiomyopathy 1Y. Last evaluated: 2018-01-13. Review status: criteria provided, single submitter. Criteria: ICSL Variant Classification Criteria 13 December 2019. Collection method: clinical testing. Allele origin: germline.

GeneDx
Classification: Benign. Last evaluated: 2014-07-03. Review status: criteria provided, single submitter. Criteria: GeneDx Variant Classification (06012015). Collection method: clinical testing. Allele origin: germline. Affected: yes.
Comment: This variant is considered likely benign or benign based on one or more of the following criteria: it is a conservative change, it occurs at a poorly conserved position in the protein, it is predicted to be benign by multiple in silico algorithms, and/or has population frequency not consistent with disease.

NM_001018005.2(TPM1):c.564-11G>A

Gene: TPM1 (tropomyosin 1; plus strand). Cytogenetic location: 15q22.2.
Variant type: single nucleotide variant.
Coding change: c.564-11G>A on transcript NM_001018005.2 (MANE Select); 11 bases into the intron before coding-DNA position 564, G replaced by A.
Molecular consequence: intron variant.
Genome position (GRCh38, 1-based): chr15:63,061,702, G>A. VCF-style: chr15-63061702-G-A. GRCh37 (hg19) VCF-style: chr15-63353901-G-A.
Other names: c.690-11G>A (NM_001365778.1); c.639+429G>A (NM_001018020.2, NM_001018006.2, NM_000366.6); c.564-11G>A (NM_001018007.2, NM_001365776.1, NM_001018004.2 and 3 more transcripts); c.531+429G>A (NM_001330351.2, NM_001330344.2, NM_001365781.2); c.456-11G>A (NM_001018008.2, NM_001301289.2, NM_001365782.1 and 2 more transcripts).
Identifiers: ClinVar variation 165570 (VCV000165570.21), dbSNP rs532254032, ClinGen allele CA019115.
Genomic context (GRCh38, chr15:63,061,702, plus strand): 5'-CCCTCTCCTTTTTCTCTCCTCCTTCCTTTGGCTTGTCTCCCACCCTTTCTGCCTCTGATC[G>A]AAAACATTAGCAAATGTGCCGAGCTTGAAGAAGAATTGAAAACTGTGACGAACAACTTGA-3'